The following is an entry in ClinVar:

ClinVar aggregate classification (germline): Uncertain significance (1 of 4 stars; one submission).

Conditions:
Deficiency of isobutyryl-CoA dehydrogenase. Also called: ACAD8 DEFICIENCY; IBD DEFICIENCY; ACYL-CoA DEHYDROGENASE FAMILY, MEMBER 8, DEFICIENCY OF. Identifiers: Orphanet 79159, MedGen C1969809, MONDO:0012648, OMIM 611283.

Allele frequency attached by ClinVar (database versions not stated): gnomAD exomes below 0.00001; gnomAD 0.00001; TOPMed 0.00001.
gnomAD v4.1: 5 of 1,613,808 alleles (0.00031%); highest among the groups gnomAD compares: Non-Finnish European, 0.00042%; no homozygotes.

Submission:

Labcorp Genetics (formerly Invitae), Labcorp
Classification: Uncertain significance for Deficiency of isobutyryl-CoA dehydrogenase. Last evaluated: 2021-03-10. Review status: criteria provided, single submitter. Criteria: Invitae Variant Classification Sherloc (09022015). Collection method: clinical testing. Allele origin: germline.
Comment: In summary, the available evidence is currently insufficient to determine the role of this variant in disease. Therefore, it has been classified as a Variant of Uncertain Significance. This sequence change replaces methionine with valine at codon 322 of the ACAD8 protein (p.Met322Val). The methionine residue is highly conserved and there is a small physicochemical difference between methionine and valine. This variant is not present in population databases (ExAC no frequency). This variant has not been reported in the literature in individuals with ACAD8-related conditions. Advanced modeling of protein sequence and biophysical properties (such as structural, functional, and spatial information, amino acid conservation, physicochemical variation, residue mobility, and thermodynamic stability) performed at Invitae indicates that this missense variant is expected to disrupt ACAD8 protein function.

NM_014384.3(ACAD8):c.964A>G (p.Met322Val)

Gene: ACAD8 (acyl-CoA dehydrogenase family member 8; plus strand). Cytogenetic location: 11q25.
Variant type: single nucleotide variant.
Coding change: c.964A>G on transcript NM_014384.3 (MANE Select); coding-DNA position 964, A replaced by G.
Protein change: p.Met322Val; replaces methionine 322 with valine.
Molecular consequence: missense variant.
Genome position (GRCh38, 1-based): chr11:134,261,762, A>G. VCF-style: chr11-134261762-A-G. GRCh37 (hg19) VCF-style: chr11-134131656-A-G.
Other names: short protein forms M322V.
Identifiers: ClinVar variation 1509516 (VCV001509516.8), dbSNP rs1167657404, ClinGen allele CA383517921.